The following is an entry in ClinVar:

NM_001243925.2(MAPKAPK3):c.1039G>T (p.Asp347Tyr)

Gene: MAPKAPK3 (MAPK activated protein kinase 3; plus strand). Cytogenetic location: 3p21.2.
Variant type: single nucleotide variant.
Coding change: c.1039G>T on transcript NM_001243925.2 (MANE Select); coding-DNA position 1039, G replaced by T.
Protein change: p.Asp347Tyr; replaces aspartic acid 347 with tyrosine.
Molecular consequence: missense variant.
Genome position (GRCh38, 1-based): chr3:50,647,936, G>T. VCF-style: chr3-50647936-G-T. GRCh37 (hg19) VCF-style: chr3-50685367-G-T.
Other names: c.1039G>T, p.Asp347Tyr (NM_001243926.2, NM_004635.5); short protein forms D347Y.
Identifiers: ClinVar variation 4693783 (VCV004693783.1).
Genomic context (GRCh38, chr3:50,647,936, plus strand): 5'-CATCCTGTCTGTCCCCAGGAGGAGATGACCAGTGCCTTGGCCACTATGCGGGTAGACTAC[G>T]ACCAGGTGAAGATCAAGGACCTGAAGACCTCTAACAACCGGCTCCTCAACAAGAGGAGAA-3'
Protein context (NP_001230854.1, residues 337-357): SALATMRVDY[Asp347Tyr]QVKIKDLKTS

ClinVar aggregate classification (germline): Uncertain significance (1 of 4 stars; one submission).

gnomAD v4.1: 13 of 1,613,980 alleles (0.00081%); highest among the groups gnomAD compares: Non-Finnish European, 0.0011%; no homozygotes.

Submission:

Labcorp Genetics (formerly Invitae), Labcorp
Classification: Uncertain significance. Last evaluated: 2025-04-22. Review status: criteria provided, single submitter. Criteria: Invitae Variant Classification Sherloc (09022015). Collection method: clinical testing. Allele origin: germline.
Comment: This sequence change replaces aspartic acid, which is acidic and polar, with tyrosine, which is neutral and polar, at codon 347 of the MAPKAPK3 protein (p.Asp347Tyr). This variant is not present in population databases (gnomAD no frequency). This variant has not been reported in the literature in individuals affected with MAPKAPK3-related conditions. An algorithm developed to predict the effect of missense changes on protein structure and function (PolyPhen-2) suggests that this variant is likely to be disruptive. In summary, the available evidence is currently insufficient to determine the role of this variant in disease. Therefore, it has been classified as a Variant of Uncertain Significance.